The following is an entry in ClinVar:

NM_022836.4(DCLRE1B):c.621C>T (p.Arg207=)

Gene: DCLRE1B (DNA cross-link repair 1B; plus strand). Cytogenetic location: 1p13.2.
Variant type: single nucleotide variant.
Coding change: c.621C>T on transcript NM_022836.4 (MANE Select); coding-DNA position 621, C replaced by T.
Protein change: p.Arg207=; no amino-acid change (arginine 207 retained).
Molecular consequence: synonymous variant.
Genome position (GRCh38, 1-based): chr1:113,911,213, C>T. VCF-style: chr1-113911213-C-T. GRCh37 (hg19) VCF-style: chr1-114453835-C-T.
Other names: c.243C>T, p.Arg81= (NM_001319946.2, NM_001319947.2, NM_001363691.2); c.621C>T, p.Arg207= (NM_001363690.2).
Identifiers: ClinVar variation 5041323 (VCV005041323.1).

ClinVar aggregate classification (germline): Likely benign (1 of 4 stars; one submission).

gnomAD v4.1: 3 of 1,614,140 alleles (0.00019%); highest among the groups gnomAD compares: Non-Finnish European, 0.00017%; no homozygotes.

Submission:

CeGaT Center for Human Genetics Tuebingen
Classification: Likely benign. Last evaluated: 2026-09-01. Review status: criteria provided, single submitter. Criteria: CeGaT Center For Human Genetics Tuebingen Variant Classification Criteria Version 2. Collection method: clinical testing. Allele origin: germline. Affected: yes. Observed: 1 variant allele.
Comment: DCLRE1B: BP4, BP7